The following is an entry in ClinVar:

NM_006361.6(HOXB13):c.143A>T (p.Tyr48Phe)

Gene: HOXB13 (homeobox B13; minus strand). Cytogenetic location: 17q21.32.
Variant type: single nucleotide variant.
Coding change: c.143A>T on transcript NM_006361.6 (MANE Select); coding-DNA position 143, A replaced by T.
Protein change: p.Tyr48Phe; replaces tyrosine 48 with phenylalanine.
Molecular consequence: missense variant.
Genome position (GRCh38, 1-based): chr17:48,728,451, T>A on the plus strand (A>T on the coding strand, the complement: HOXB13 is on the minus strand). VCF-style: chr17-48728451-T-A. GRCh37 (hg19) VCF-style: chr17-46805813-T-A.
Other names: short protein forms Y48F.
Identifiers: ClinVar variation 4727917 (VCV004727917.1).

ClinVar aggregate classification (germline): Uncertain significance (1 of 4 stars; one submission).

Submission:

Labcorp Genetics (formerly Invitae), Labcorp
Classification: Uncertain significance. Last evaluated: 2025-09-27. Review status: criteria provided, single submitter. Criteria: Invitae Variant Classification Sherloc (09022015). Collection method: clinical testing. Allele origin: germline.
Comment: This sequence change replaces tyrosine, which is neutral and polar, with phenylalanine, which is neutral and non-polar, at codon 48 of the HOXB13 protein (p.Tyr48Phe). This variant is not present in population databases (gnomAD no frequency). This variant has not been reported in the literature in individuals affected with HOXB13-related conditions. An algorithm developed to predict the effect of missense changes on protein structure and function (PolyPhen-2) suggests that this variant is likely to be disruptive. In summary, the available evidence is currently insufficient to determine the role of this variant in disease. Therefore, it has been classified as a Variant of Uncertain Significance.